The following is an entry in ClinVar:

ClinVar aggregate classification (germline): Uncertain significance (1 of 4 stars; one submission).

Conditions:
Spinocerebellar ataxia type 26 (SCA26). Identifiers: Orphanet 101112, MedGen C1836395, MONDO:0012246, OMIM 609306.

Allele frequency attached by ClinVar (database versions not stated): gnomAD exomes below 0.00001; TOPMed below 0.00001.
gnomAD v4.1: 5 of 1,613,690 alleles (0.00031%); highest among the groups gnomAD compares: Admixed American, 0.0017%; no homozygotes.

Submission:

Labcorp Genetics (formerly Invitae), Labcorp
Classification: Uncertain significance. Last evaluated: 2023-06-20. Review status: criteria provided, single submitter. Criteria: Invitae Variant Classification Sherloc (09022015). Collection method: clinical testing. Allele origin: germline.
Comment: In summary, the available evidence is currently insufficient to determine the role of this variant in disease. Therefore, it has been classified as a Variant of Uncertain Significance. Advanced modeling of protein sequence and biophysical properties (such as structural, functional, and spatial information, amino acid conservation, physicochemical variation, residue mobility, and thermodynamic stability) performed at Invitae indicates that this missense variant is expected to disrupt EEF2 protein function. ClinVar contains an entry for this variant (Variation ID: 441103). This variant has not been reported in the literature in individuals affected with EEF2-related conditions. This variant is present in population databases (no rsID available, gnomAD 0.003%). This sequence change replaces asparagine, which is neutral and polar, with serine, which is neutral and polar, at codon 660 of the EEF2 protein (p.Asn660Ser).

NM_001961.4(EEF2):c.1979A>G (p.Asn660Ser)

Gene: EEF2 (eukaryotic translation elongation factor 2; minus strand). Cytogenetic location: 19p13.3.
Variant type: single nucleotide variant.
Coding change: c.1979A>G on transcript NM_001961.4 (MANE Select); coding-DNA position 1979, A replaced by G.
Protein change: p.Asn660Ser; replaces asparagine 660 with serine.
Molecular consequence: missense variant.
Genome position (GRCh38, 1-based): chr19:3,977,907, T>C on the plus strand (A>G on the coding strand, the complement: EEF2 is on the minus strand). VCF-style: chr19-3977907-T-C. GRCh37 (hg19) VCF-style: chr19-3977905-T-C.
Other names: short protein forms N660S.
Identifiers: ClinVar variation 441103 (VCV000441103.5), dbSNP rs945307250, ClinGen allele CA304442033.